The following is an entry in ClinVar:

NM_000132.4(F8):c.1468A>G (p.Arg490Gly)

Gene: F8 (coagulation factor VIII; minus strand). Cytogenetic location: Xq28.
Variant type: single nucleotide variant.
Coding change: c.1468A>G on transcript NM_000132.4 (MANE Select); coding-DNA position 1468, A replaced by G.
Protein change: p.Arg490Gly; replaces arginine 490 with glycine.
Molecular consequence: missense variant.
Genome position (GRCh38, 1-based): chrX:154,961,144, T>C on the plus strand (A>G on the coding strand, the complement: F8 is on the minus strand). VCF-style: chrX-154961144-T-C. GRCh37 (hg19) VCF-style: chrX-154189419-T-C.
Other names: short protein forms R490G.
Identifiers: ClinVar variation 804141 (VCV000804141.3), dbSNP rs1603435026, ClinGen allele CA414912841.

ClinVar aggregate classification (germline): Conflicting classifications of pathogenicity. Review status: criteria provided, conflicting classifications (1 of 4 stars). 2 submissions from 2 submitters: Likely pathogenic (1); Uncertain significance (1). Last evaluated 2020-02-07.

Conditions:
Hereditary factor VIII deficiency disease (HEMA). Also called: AUTOSOMAL HEMOPHILIA A; Hemophilia A; HEMOPHILIA, CLASSIC; Hemophilia A, congenital; HEM A; Factor 8 deficiency, congenital. Identifiers: Orphanet 98878, MedGen C0019069, MONDO:0010602, OMIM 306700.

Submissions (2):

Genetics and Molecular Pathology, SA Pathology
Classification: Uncertain significance for Hereditary factor VIII deficiency disease. Last evaluated: 2020-02-07. Review status: criteria provided, single submitter. Criteria: ACMG Guidelines, 2015. Collection method: clinical testing. Allele origin: germline. Inheritance: X-linked recessive inheritance. Affected: yes.
Comment: PM2, PP3, PP5

Mendelics
Classification: Likely pathogenic for Hereditary factor VIII deficiency disease. Last evaluated: 2019-05-28. Review status: criteria provided, single submitter. Criteria: Mendelics Assertion Criteria 2017. Collection method: clinical testing. Allele origin: unknown.